The following is an entry in ClinVar:

ClinVar aggregate classification (germline): Uncertain significance (1 of 4 stars; one submission).

Conditions:
Inborn genetic diseases. Identifiers: MedGen C0950123, MeSH D030342.

Submission:

Ambry Genetics
Classification: Uncertain significance for Inborn genetic diseases. Last evaluated: 2025-04-06. Review status: criteria provided, single submitter. Criteria: Ambry Variant Classification Scheme 2023. Collection method: clinical testing. Allele origin: germline.
Comment: The p.R250G variant (also known as c.748C>G), located in coding exon 6 of the RUNX1 gene, results from a C to G substitution at nucleotide position 748. The arginine at codon 250 is replaced by glycine, an amino acid with dissimilar properties. This amino acid position is conserved. In addition, this alteration is predicted to be deleterious by in silico analysis. Based on the available evidence, the clinical significance of this variant remains unclear.

NM_001754.5(RUNX1):c.748C>G (p.Arg250Gly)

Gene: RUNX1 (RUNX family transcription factor 1; minus strand). Cytogenetic location: 21q22.12.
Variant type: single nucleotide variant.
Coding change: c.748C>G on transcript NM_001754.5 (MANE Select); coding-DNA position 748, C replaced by G.
Protein change: p.Arg250Gly; replaces arginine 250 with glycine.
Molecular consequence: missense variant.
Genome position (GRCh38, 1-based): chr21:34,834,467, G>C on the plus strand (C>G on the coding strand, the complement: RUNX1 is on the minus strand). VCF-style: chr21-34834467-G-C. GRCh37 (hg19) VCF-style: chr21-36206764-G-C.
Other names: c.667C>G, p.Arg223Gly (NM_001001890.3, NM_001122607.2); short protein forms R223G, R250G.
Identifiers: ClinVar variation 3948858 (VCV003948858.1).